The following is an entry in ClinVar:

ClinVar aggregate classification (germline): Uncertain significance. Review status: criteria provided, multiple submitters, no conflicts (2 of 4 stars). 6 submissions from 6 submitters: Uncertain significance (5). 1 of the submissions does not count toward it. Last evaluated 2026-01-29.

Conditions:
Cystic fibrosis (CF). Also called: MUCOVISCIDOSIS. Identifiers: Orphanet 586, MedGen C0010674, MONDO:0009061, OMIM 219700. Disease mechanism: loss of function.

Allele frequency attached by ClinVar (database versions not stated): TOPMed below 0.00001.
gnomAD v4.1: 11 of 1,603,100 alleles (0.00069%); highest among the groups gnomAD compares: East Asian, 0.0022%; no homozygotes.

Submissions (6):

Labcorp Genetics (formerly Invitae), Labcorp
Classification: Uncertain significance for Cystic fibrosis. Last evaluated: 2026-01-29. Review status: criteria provided, single submitter. Criteria: Invitae Variant Classification Sherloc (09022015). Collection method: clinical testing. Allele origin: germline.
Comment: This sequence change replaces leucine, which is neutral and non-polar, with phenylalanine, which is neutral and non-polar, at codon 568 of the CFTR protein (p.Leu568Phe). This variant is not present in population databases (gnomAD no frequency). This missense change has been observed in individual(s) with CFTR-related conditions (PMID: 9272157, 10439967, 22020151, 23951356, 34860163, 35913788). ClinVar contains an entry for this variant (Variation ID: 53350). Invitae Evidence Modeling of protein sequence and biophysical properties (such as structural, functional, and spatial information, amino acid conservation, physicochemical variation, residue mobility, and thermodynamic stability) indicates that this missense variant is expected to disrupt CFTR protein function with a positive predictive value of 80%. In summary, the available evidence is currently insufficient to determine the role of this variant in disease. Therefore, it has been classified as a Variant of Uncertain Significance.

Ambry Genetics
Classification: Uncertain significance for Cystic fibrosis. Last evaluated: 2025-02-28. Review status: criteria provided, single submitter. Criteria: Ambry Variant Classification Scheme 2023. Collection method: clinical testing. Allele origin: germline.
Comment: The p.L568F variant (also known as c.1704G>T), located in coding exon 13 of the CFTR gene, results from a G to T substitution at nucleotide position 1704. The leucine at codon 568 is replaced by phenylalanine, an amino acid with highly similar properties. This variant was observed in individuals diagnosed with congenital bilateral absence of the vas deferens (CBAVD) and/or idiopathic chronic pancreatitis; however, complete genotype information was not provided (D&ouml;rk T et al. Hum. Genet., 1997 Sep;100:365-77; Audrezet MP et al. J Mol Diagn, 2008 Sep;10:424-34; Amato F et al. J Mol Diagn, 2012 Jan;14:81-9). This amino acid position is highly conserved in available vertebrate species. In addition, this alteration is predicted to be deleterious by in silico analysis. Based on the available evidence, the clinical significance of this variant remains unclear.

Women's Health and Genetics/Laboratory Corporation of America, LabCorp
Classification: Uncertain significance. Last evaluated: 2023-06-30. Review status: criteria provided, single submitter. Criteria: LabCorp Variant Classification Summary - May 2015. Collection method: clinical testing. Allele origin: germline.
Comment: Variant summary: CFTR c.1704G>T (p.Leu568Phe) results in a non-conservative amino acid change located in the ABC transporter-like, ATP-binding domain (IPR003439) of the encoded protein sequence. Five of five in-silico tools predict a damaging effect of the variant on protein function. The variant was absent in 250456 control chromosomes in gnomAD. The available data on variant occurrences in the general population are insufficient to allow any conclusion about variant significance. c.1704G>T has been reported in the literature in individuals affected with Cystic Fibrosis or other CFTR-related diseases, however in most cases, strong evidence for causality could not be found (example: Amato_2012, Erdogan_2021, Liechti-Gallati_1999, Audrezet_2008, Masson_2013, Bozdogan_2021). These data do not allow any conclusion about variant significance. To our knowledge, no experimental evidence demonstrating an impact on protein function has been reported. The following publications have been ascertained in the context of this evaluation (PMID: 22020151, 18687795, 33572515, 9272157, 34860163, 10439967, 23951356). Three submitters have cited clinical-significance assessments for this variant to ClinVar after 2014 (all VUS). Based on the evidence outlined above, the variant was classified as uncertain significance.

Genome-Nilou Lab
Classification: Uncertain significance for Cystic fibrosis. Last evaluated: 2021-06-10. Review status: criteria provided, single submitter. Criteria: ACMG Guidelines, 2015. Collection method: clinical testing. Allele origin: germline. Affected: no.

Johns Hopkins Genomics, Johns Hopkins University
Classification: Uncertain significance for Cystic fibrosis. Last evaluated: 2019-11-25. Review status: criteria provided, single submitter. Criteria: ACMG Guidelines, 2015. Collection method: clinical testing. Allele origin: germline.
Comment: This CFTR variant (rs397508275) has been observed in the heterozygous state in males with congenital absence of the vas deferens, but has not been identified in patients with classic cystic fibrosis to our knowledge. It is absent from two large population datasets and while it is present in ClinVar, no classification is provided. Leu568 is the first residue of the highly conserved Walker B ATP-binding motif in the first nucleotide binding domain of CFTR. This suggests that this substitution may be functionally signficant, however no functional studies have been performed to our knowledge. Of three bioinformatics tools queried, two predict that this substitution would probably be damaging and the third predicts that it would be tolerated. The leucine at this position is highly evolutionarily conserved among the species assessed. Due to the lack of functional data, we consider the clinical significance of c.1704G>T to be uncertain at this time.

ClinVar Staff, National Center for Biotechnology Information (NCBI)
No classification provided. Condition: CFTR-related disorders. Review status: no classification provided. Collection method: literature only. Allele origin: germline. Affected: yes. Not counted in ClinVar's aggregate classification.

Literature cited by the submitters: PubMed 9272157 (cited by 4 submitters); PubMed 10439967 (cited by 4 submitters); PubMed 22020151 (cited by 3 submitters); PubMed 23951356 (cited by Labcorp Genetics (formerly Invitae), Labcorp and Women's Health and Genetics/Laboratory Corporation of America, LabCorp); PubMed 34860163 (cited by Labcorp Genetics (formerly Invitae), Labcorp and Women's Health and Genetics/Laboratory Corporation of America, LabCorp); PubMed 35913788 (cited by Labcorp Genetics (formerly Invitae), Labcorp); PubMed 18687795 (cited by Ambry Genetics and Women's Health and Genetics/Laboratory Corporation of America, LabCorp); PubMed 26277102 (cited by Ambry Genetics); PubMed 33572515 (cited by Women's Health and Genetics/Laboratory Corporation of America, LabCorp).

NM_000492.4(CFTR):c.1704G>T (p.Leu568Phe)

Gene: CFTR (CF transmembrane conductance regulator; plus strand). Cytogenetic location: 7q31.2.
Variant type: single nucleotide variant.
Coding change: c.1704G>T on transcript NM_000492.4 (MANE Select); coding-DNA position 1704, G replaced by T.
Protein change: p.Leu568Phe; replaces leucine 568 with phenylalanine.
Molecular consequence: missense variant.
Genome position (GRCh38, 1-based): chr7:117,590,377, G>T. VCF-style: chr7-117590377-G-T. GRCh37 (hg19) VCF-style: chr7-117230431-G-T.
Other names: short protein forms L568F.
Identifiers: ClinVar variation 53350 (VCV000053350.10), dbSNP rs397508275, ClinGen allele CA326621.